The following is an entry in ClinVar:

ClinVar aggregate classification (germline): Uncertain significance (1 of 4 stars; one submission).

Conditions:
Bethlem myopathy 1A. Also called: MYOPATHY, BENIGN CONGENITAL, WITH CONTRACTURES; Bethlem myopathy 1; Bethlem Muscular Dystrophy. Identifiers: Orphanet 610, MedGen CN029274, MONDO:0024530, OMIM 158810.

Submission:

Labcorp Genetics (formerly Invitae), Labcorp
Classification: Uncertain significance for Bethlem myopathy 1A. Last evaluated: 2025-11-18. Review status: criteria provided, single submitter. Criteria: Invitae Variant Classification Sherloc (09022015). Collection method: clinical testing. Allele origin: germline.
Comment: This sequence change replaces methionine, which is neutral and non-polar, with isoleucine, which is neutral and non-polar, at codon 1992 of the COL6A3 protein (p.Met1992Ile). This variant is not present in population databases (gnomAD no frequency). This variant has not been reported in the literature in individuals affected with COL6A3-related conditions. Invitae Evidence Modeling of protein sequence and biophysical properties (such as structural, functional, and spatial information, amino acid conservation, physicochemical variation, residue mobility, and thermodynamic stability) indicates that this missense variant is expected to disrupt COL6A3 protein function with a positive predictive value of 80%. In summary, the available evidence is currently insufficient to determine the role of this variant in disease. Therefore, it has been classified as a Variant of Uncertain Significance.

NM_004369.4(COL6A3):c.5976G>C (p.Met1992Ile)

Gene: COL6A3 (collagen type VI alpha 3 chain; minus strand). Cytogenetic location: 2q37.3.
Variant type: single nucleotide variant.
Coding change: c.5976G>C on transcript NM_004369.4 (MANE Select); coding-DNA position 5976, G replaced by C.
Protein change: p.Met1992Ile; replaces methionine 1992 with isoleucine.
Molecular consequence: missense variant.
Genome position (GRCh38, 1-based): chr2:237,363,340, C>G on the plus strand (G>C on the coding strand, the complement: COL6A3 is on the minus strand). VCF-style: chr2-237363340-C-G. GRCh37 (hg19) VCF-style: chr2-238271983-C-G.
Other names: c.4155G>C, p.Met1385Ile (NM_057166.5); c.5358G>C, p.Met1786Ile (NM_057167.4); short protein forms M1385I, M1992I, M1786I.
Identifiers: ClinVar variation 4740610 (VCV004740610.1).